The following is an entry in ClinVar:

ClinVar aggregate classification (germline): Uncertain significance (1 of 4 stars; one submission).

Conditions:
Fanconi anemia complementation group O. Also called: RAD51C-Related Fanconi Anemia. Identifiers: Orphanet 84, MedGen C3150653, MONDO:0013248, OMIM 613390.

Submission:

Labcorp Genetics (formerly Invitae), Labcorp
Classification: Uncertain significance for Fanconi anemia complementation group O. Last evaluated: 2023-07-10. Review status: criteria provided, single submitter. Criteria: Invitae Variant Classification Sherloc (09022015). Collection method: clinical testing. Allele origin: germline.
Comment: This sequence change replaces threonine, which is neutral and polar, with alanine, which is neutral and non-polar, at codon 86 of the RAD51C protein (p.Thr86Ala). This variant is not present in population databases (gnomAD no frequency). This variant has not been reported in the literature in individuals affected with RAD51C-related conditions. Advanced modeling of protein sequence and biophysical properties (such as structural, functional, and spatial information, amino acid conservation, physicochemical variation, residue mobility, and thermodynamic stability) performed at Invitae indicates that this missense variant is expected to disrupt RAD51C protein function. In summary, the available evidence is currently insufficient to determine the role of this variant in disease. Therefore, it has been classified as a Variant of Uncertain Significance.

NM_058216.3(RAD51C):c.256A>G (p.Thr86Ala)

Gene: RAD51C (RAD51 paralog C; plus strand). Cytogenetic location: 17q22.
Variant type: single nucleotide variant.
Coding change: c.256A>G on transcript NM_058216.3 (MANE Select); coding-DNA position 256, A replaced by G.
Protein change: p.Thr86Ala; replaces threonine 86 with alanine.
Molecular consequence: missense variant. On other transcripts: non-coding transcript variant (2).
Genome position (GRCh38, 1-based): chr17:58,695,041, A>G. VCF-style: chr17-58695041-A-G. GRCh37 (hg19) VCF-style: chr17-56772402-A-G.
Other names: c.256A>G, p.Thr86Ala (NM_002876.4, NM_058217.1); short protein forms T86A.
Identifiers: ClinVar variation 2740483 (VCV002740483.3), dbSNP rs2143721851, ClinGen allele CA400340460.